The following is an entry in ClinVar:

NM_001130438.3(SPTAN1):c.6762+3_6762+4delinsGC

Gene: SPTAN1 (spectrin alpha, non-erythrocytic 1; plus strand). Cytogenetic location: 9q34.11.
Variant type: Indel.
Coding change: c.6762+3_6762+4delinsGC on transcript NM_001130438.3 (MANE Select); bases 3 to 4 of the intron after coding-DNA position 6762, AA replaced by GC.
Molecular consequence: intron variant.
Genome position (GRCh38, 1-based): chr9:128,630,378-128,630,379, AA replaced by GC. VCF-style: chr9-128630378-AA-GC. GRCh37 (hg19) VCF-style: chr9-131392657-AA-GC.
Other names: c.6861+3_6861+4delinsGC (NM_001375318.1); c.6798+3_6798+4delinsGC (NM_001375312.2); c.6762+3_6762+4delinsGC (NM_001375311.2); c.6702+3_6702+4delinsGC (NM_001375314.2, NM_001363765.2); c.6849+3_6849+4delinsGC (NM_001375310.1); c.6825+3_6825+4delinsGC (NM_001363759.2); c.6744+3_6744+4delinsGC (NM_001375313.1); c.6747+3_6747+4delinsGC (NM_003127.4); and 1 more.
Identifiers: ClinVar variation 3367436 (VCV003367436.1).

ClinVar aggregate classification (germline): Uncertain significance (1 of 4 stars; one submission).

Submission:

GeneDx
Classification: Uncertain significance. Last evaluated: 2024-01-02. Review status: criteria provided, single submitter. Criteria: GeneDx Variant Classification Process June 2021. Collection method: clinical testing. Allele origin: germline. Affected: yes.
Comment: Not observed at significant frequency in large population cohorts (gnomAD); Has not been previously published as pathogenic or benign to our knowledge; In silico analysis is inconclusive as to whether the variant alters gene splicing. In the absence of RNA/functional studies, the actual effect of this sequence change is unknown.